The following is an entry in ClinVar:

ClinVar aggregate classification (germline): Uncertain significance. Review status: criteria provided, multiple submitters, no conflicts (2 of 4 stars). 2 submissions from 2 submitters: Uncertain significance (2). Last evaluated 2026-07-23.

Conditions:
NRP1-related disorder. Also called: NRP1-related condition.

Allele frequency attached by ClinVar (database versions not stated): gnomAD 0.00001; TOPMed 0.00001.
gnomAD v4.1: 3 of 1,613,902 alleles (0.00019%); highest among the groups gnomAD compares: Non-Finnish European, 0.00025%; no homozygotes.

Submissions (2):

PreventionGenetics, part of Exact Sciences
Classification: Uncertain significance for NRP1-related condition. Last evaluated: 2026-07-23. Review status: criteria provided, single submitter. Criteria: ACMG Guidelines, 2015. Collection method: clinical testing. Allele origin: germline.
Comment: The NRP1 c.2645C>A variant is predicted to result in the amino acid substitution p.Ala882Asp. To our knowledge, this variant has not been reported in the literature. This variant is reported in 0.00088% of alleles in individuals of European (non-Finnish) descent in gnomAD. At this time, the clinical significance of this variant is uncertain due to the absence of conclusive functional and genetic evidence.

Ambry Genetics
Classification: Uncertain significance. Last evaluated: 2023-04-13. Review status: criteria provided, single submitter. Criteria: Ambry Variant Classification Scheme 2023. Collection method: clinical testing. Allele origin: germline.

NM_003873.7(NRP1):c.2645C>A (p.Ala882Asp)

Gene: NRP1 (neuropilin 1; minus strand). Cytogenetic location: 10p11.22.
Variant type: single nucleotide variant.
Coding change: c.2645C>A on transcript NM_003873.7 (MANE Select); coding-DNA position 2645, C replaced by A.
Protein change: p.Ala882Asp; replaces alanine 882 with aspartic acid.
Molecular consequence: missense variant. On other transcripts: non-coding transcript variant (1).
Genome position (GRCh38, 1-based): chr10:33,180,203, G>T on the plus strand (C>A on the coding strand, the complement: NRP1 is on the minus strand). VCF-style: chr10-33180203-G-T. GRCh37 (hg19) VCF-style: chr10-33469131-G-T.
Other names: c.2627C>A, p.Ala876Asp (NM_001244972.2); c.2624C>A, p.Ala875Asp (NM_001244973.2); c.2594C>A, p.Ala865Asp (NM_001330068.2); short protein forms A875D, A876D, A882D, A865D.
Identifiers: ClinVar variation 2536806 (VCV002536806.3), dbSNP rs1377047297, ClinGen allele CA376474765.